The following is an entry in ClinVar:

ClinVar aggregate classification (germline): Uncertain significance. Review status: criteria provided, multiple submitters, no conflicts (2 of 4 stars). 2 submissions from 2 submitters: Uncertain significance (2). Last evaluated 2026-05-20.

Allele frequency attached by ClinVar (database versions not stated): gnomAD exomes below 0.00001; gnomAD 0.00001; TOPMed 0.00001.
gnomAD v4.1: 3 of 1,614,074 alleles (0.00019%); highest among the groups gnomAD compares: Non-Finnish European, 0.00025%; no homozygotes.

Submissions (2):

Greenwood Genetic Center Diagnostic Laboratories, Greenwood Genetic Center
Classification: Uncertain significance. Last evaluated: 2026-05-20. Review status: criteria provided, single submitter. Criteria: ACMG Guidelines, 2015. Collection method: clinical testing. Allele origin: germline.
Comment: PM2, PM3_Supporting, BP4, PP2

Labcorp Genetics (formerly Invitae), Labcorp
Classification: Uncertain significance. Last evaluated: 2020-10-08. Review status: criteria provided, single submitter. Criteria: Invitae Variant Classification Sherloc (09022015). Collection method: clinical testing. Allele origin: germline.
Comment: In summary, this variant is a novel missense change with uncertain impact on protein function. It has been classified as a Variant of Uncertain Significance. Algorithms developed to predict the effect of missense changes on protein structure and function do not agree on the potential impact of this missense change (SIFT: "Deleterious"; PolyPhen-2: "Possibly Damaging"; Align-GVGD: "Class C0"). This variant is not present in population databases (ExAC no frequency) and has not been reported in the literature in individuals with a SZT2-related disease. This sequence change replaces alanine with threonine at codon 1272 of the SZT2 protein (p.Ala1272Thr). The alanine residue is highly conserved and there is a small physicochemical difference between alanine and threonine.

NM_001365999.1(SZT2):c.3985G>A (p.Ala1329Thr)

Gene: SZT2 (SZT2 subunit of KICSTOR complex; plus strand). Cytogenetic location: 1p34.2.
Variant type: single nucleotide variant.
Coding change: c.3985G>A on transcript NM_001365999.1 (MANE Select); coding-DNA position 3985, G replaced by A.
Protein change: p.Ala1329Thr; replaces alanine 1329 with threonine.
Molecular consequence: missense variant.
Genome position (GRCh38, 1-based): chr1:43,428,305, G>A. VCF-style: chr1-43428305-G-A. GRCh37 (hg19) VCF-style: chr1-43893976-G-A.
Other names: c.3814G>A, p.Ala1272Thr (NM_015284.4); short protein forms A1272T, A1329T.
Identifiers: ClinVar variation 649786 (VCV000649786.7), dbSNP rs1185590650, ClinGen allele CA340019743.